The following is an entry in ClinVar:

NM_182746.3(MCM4):c.1177A>G (p.Ile393Val)

Gene: MCM4 (minichromosome maintenance complex component 4; plus strand). Cytogenetic location: 8q11.21.
Variant type: single nucleotide variant.
Coding change: c.1177A>G on transcript NM_182746.3 (MANE Select); coding-DNA position 1177, A replaced by G.
Protein change: p.Ile393Val; replaces isoleucine 393 with valine.
Molecular consequence: missense variant.
Genome position (GRCh38, 1-based): chr8:47,969,800, A>G. VCF-style: chr8-47969800-A-G. GRCh37 (hg19) VCF-style: chr8-48882360-A-G.
Other names: c.1177A>G, p.Ile393Val (NM_005914.4); c.1177A>G (NM_005914.3); short protein forms I393V.
Identifiers: ClinVar variation 1498757 (VCV001498757.7), dbSNP rs759310112, ClinGen allele CA4742558.

ClinVar aggregate classification (germline): Uncertain significance. Review status: criteria provided, multiple submitters, no conflicts (2 of 4 stars). 2 submissions from 2 submitters: Uncertain significance (2). Last evaluated 2025-09-04.

Allele frequency attached by ClinVar (database versions not stated): ExAC 0.00001; gnomAD 0.00001; gnomAD exomes 0.00001 and 0.00002.
gnomAD v4.1: 22 of 1,613,734 alleles (0.0014%); highest among the groups gnomAD compares: Admixed American, 0.005%; no homozygotes.

Submissions (2):

Ambry Genetics
Classification: Uncertain significance. Last evaluated: 2025-09-04. Review status: criteria provided, single submitter. Criteria: Ambry Variant Classification Scheme 2023. Collection method: clinical testing. Allele origin: germline.

Labcorp Genetics (formerly Invitae), Labcorp
Classification: Uncertain significance. Last evaluated: 2024-03-27. Review status: criteria provided, single submitter. Criteria: Invitae Variant Classification Sherloc (09022015). Collection method: clinical testing. Allele origin: germline.
Comment: This sequence change replaces isoleucine, which is neutral and non-polar, with valine, which is neutral and non-polar, at codon 393 of the MCM4 protein (p.Ile393Val). This variant is present in population databases (rs759310112, gnomAD 0.003%). This variant has not been reported in the literature in individuals affected with MCM4-related conditions. ClinVar contains an entry for this variant (Variation ID: 1498757). An algorithm developed to predict the effect of missense changes on protein structure and function (PolyPhen-2) suggests that this variant¬†is likely to be tolerated. In summary, the available evidence is currently insufficient to determine the role of this variant in disease. Therefore, it has been classified as a Variant of Uncertain Significance.